The following is an entry in ClinVar:

ClinVar aggregate classification (germline): Conflicting classifications of pathogenicity. Review status: criteria provided, conflicting classifications (1 of 4 stars). 8 submissions from 8 submitters: Likely pathogenic (1); Uncertain significance (6). 1 of the submissions does not count toward it. Last evaluated 2025-10-01.

Conditions:
Muscular dystrophy-dystroglycanopathy (congenital with brain and eye anomalies), type A2. Also called: WALKER-WARBURG SYNDROME OR MUSCLE-EYE-BRAIN DISEASE, POMT2-RELATED; MUSCULAR DYSTROPHY-DYSTROGLYCANOPATHY (CONGENITAL WITH BRAIN AND EYE ANOMALIES), TYPE A, 2. Identifiers: Orphanet 588, Orphanet 899, MedGen C3150411, MONDO:0013154, OMIM 613150.
Muscular dystrophy-dystroglycanopathy (congenital with impaired intellectual development), type B, 2. Also called: MUSCULAR DYSTROPHY, CONGENITAL, POMT2-RELATED; Muscular dystrophy-dystroglycanopathy (congenital with intellectual disability), type B2. Identifiers: MedGen C3150416, MONDO:0013160, OMIM 613156.
Autosomal recessive limb-girdle muscular dystrophy type 2N. Also called: MUSCULAR DYSTROPHY-DYSTROGLYCANOPATHY, LIMB-GIRDLE, POMT2-RELATED; Muscular dystrophy-dystroglycanopathy (limb-girdle), type C, 2. Identifiers: Orphanet 206559, MedGen C3150418, MONDO:0013162, OMIM 613158.
Intellectual disability. Also called: Intellectual functioning disability; Intellectual developmental disorder; intellectual disabilities. Identifiers: MedGen C3714756, MeSH D008607, MONDO:0001071, HP:0001249.

Allele frequency attached by ClinVar (database versions not stated): gnomAD exomes 0.00002 and 0.00003; ExAC 0.00003; TOPMed below 0.00001; gnomAD 0.00002.
gnomAD v4.1: 53 of 1,613,878 alleles (0.0033%); highest among the groups gnomAD compares: African/African-American, 0.0053%; no homozygotes.

Submissions (8):

Labcorp Genetics (formerly Invitae), Labcorp
Classification: Likely pathogenic for Muscular dystrophy-dystroglycanopathy (congenital with impaired intellectual development), type B, 2; Muscular dystrophy-dystroglycanopathy (congenital with brain and eye anomalies), type A2; Autosomal recessive limb-girdle muscular dystrophy type 2N. Last evaluated: 2025-10-01. Review status: criteria provided, single submitter. Criteria: Invitae Variant Classification Sherloc (09022015). Collection method: clinical testing. Allele origin: germline.
Comment: This sequence change replaces proline, which is neutral and non-polar, with leucine, which is neutral and non-polar, at codon 107 of the POMT2 protein (p.Pro107Leu). This variant is present in population databases (rs398124264, gnomAD 0.004%). This missense change has been observed in individuals with clinical features of POMT2-related conditions (PMID: 28973083; internal data). ClinVar contains an entry for this variant (Variation ID: 95543). Invitae Evidence Modeling of protein sequence and biophysical properties (such as structural, functional, and spatial information, amino acid conservation, physicochemical variation, residue mobility, and thermodynamic stability) indicates that this missense variant is expected to disrupt POMT2 protein function with a positive predictive value of 95%. In summary, the currently available evidence indicates that the variant is pathogenic, but additional data are needed to prove that conclusively. Therefore, this variant has been classified as Likely Pathogenic.

Athena Diagnostics
Classification: Uncertain significance. Last evaluated: 2023-08-25. Review status: criteria provided, single submitter. Criteria: Athena Diagnostics Criteria. Collection method: clinical testing. Allele origin: unknown.
Comment: Available data are insufficient to determine the clinical significance of the variant at this time. The frequency of this variant in the general population is uninformative in assessment of its pathogenicity. Computational tools predict that this variant is damaging. The variant is located in a region that is considered important for protein function and/or structure.

Revvity Omics, Revvity
Classification: Uncertain significance. Last evaluated: 2023-02-22. Review status: criteria provided, single submitter. Criteria: ACMG Guidelines, 2015. Collection method: clinical testing. Allele origin: germline.

3billion
Classification: Uncertain significance for Muscular dystrophy-dystroglycanopathy (congenital with brain and eye anomalies), type A2. Last evaluated: 2022-05-22. Review status: criteria provided, single submitter. Criteria: ACMG Guidelines, 2015. Collection method: clinical testing. Allele origin: germline. Affected: yes. Observed: 1 heterozygote.
Comment: The variant is observed at an extremely low frequency in the gnomAD v2.1.1 dataset (total allele frequency: 0.002%). In silico tool predictions suggest damaging effect of the variant on gene or gene product (REVEL: 0.93; 3Cnet: 0.92). Same nucleotide change resulting in same amino acid change has been previously reported to be associated with POMT2 related disorder (PMID: 28973083). However, the evidence of pathogenicity is insufficient at this time and it is classified as auncertain significancein ClinVar (ClinVar ID: VCV000095543) Therefore, this variant is classified as uncertain significanceaccording to the recommendation of ACMG/AMP guideline.

Mendelics
Classification: Uncertain significance for Muscular dystrophy-dystroglycanopathy (congenital with brain and eye anomalies), type A2. Last evaluated: 2019-05-28. Review status: criteria provided, single submitter. Criteria: Mendelics Assertion Criteria 2017. Collection method: clinical testing. Allele origin: unknown.

GeneDx
Classification: Uncertain significance. Last evaluated: 2018-12-03. Review status: criteria provided, single submitter. Criteria: GeneDx Variant Classification Process June 2021. Collection method: clinical testing. Allele origin: germline. Affected: yes.
Comment: Previously identified in a patient who harbored a second POMT2 variant through exome sequencing, however, detailed clinical information about the patient was not provided (Meng et al., 2017); In silico analysis, which includes protein predictors and evolutionary conservation, supports a deleterious effect; Not observed at a significant frequency in large population cohorts (Lek et al., 2016); This variant is associated with the following publications: (PMID: 28973083)

Eurofins Ntd Llc (ga)
Classification: Uncertain significance. Last evaluated: 2013-11-06. Review status: criteria provided, single submitter. Criteria: EGL Classification Definitions 2015. Collection method: clinical testing. Allele origin: germline.

Centre de Biologie Pathologie Génétique, Centre Hospitalier Universitaire de Lille
Classification: Uncertain significance for Intellectual disability. Last evaluated: 2019-01-01. Review status: no assertion criteria provided. Collection method: clinical testing. Allele origin: unknown. Affected: yes. Not counted in ClinVar's aggregate classification.

Literature cited by the submitters: PubMed 28973083 (cited by Labcorp Genetics (formerly Invitae), Labcorp and 3billion).

NM_013382.7(POMT2):c.320C>T (p.Pro107Leu)

Gene: POMT2 (protein O-mannosyltransferase 2; minus strand). Cytogenetic location: 14q24.3.
Variant type: single nucleotide variant.
Coding change: c.320C>T on transcript NM_013382.7 (MANE Select); coding-DNA position 320, C replaced by T.
Protein change: p.Pro107Leu; replaces proline 107 with leucine.
Molecular consequence: missense variant.
Genome position (GRCh38, 1-based): chr14:77,311,962, G>A on the plus strand (C>T on the coding strand, the complement: POMT2 is on the minus strand). VCF-style: chr14-77311962-G-A. GRCh37 (hg19) VCF-style: chr14-77778305-G-A.
Identifiers: ClinVar variation 95543 (VCV000095543.56), dbSNP rs398124264, ClinGen allele CA223086.